The following is an entry in ClinVar:

ClinVar aggregate classification (germline): Pathogenic (1 of 4 stars; one submission).

Conditions:
Spermatogenic failure 28. Identifiers: MedGen C4748117, MONDO:0054732, OMIM 618086.

Submission:

Baylor Genetics
Classification: Pathogenic for Spermatogenic failure 28. Last evaluated: 2019-08-28. Review status: criteria provided, single submitter. Criteria: ACMG Guidelines, 2015. Collection method: clinical testing. Allele origin: maternal. Affected: yes. Study: CSER-TexasKidsCanSeq.
Comment: This variant was determined to be pathogenic according to ACMG Guidelines, 2015 [PMID:25741868]. Recently, loss of function variants of the FANCM gene have been associated with early-onset familial breast cancer [PMID: 28033443]

Literature cited by the submitters: PubMed 28033443.

NM_020937.4(FANCM):c.2095G>T (p.Glu699Ter)

Gene: FANCM (FA complementation group M; plus strand). Cytogenetic location: 14q21.2.
Variant type: single nucleotide variant.
Coding change: c.2095G>T on transcript NM_020937.4 (MANE Select); coding-DNA position 2095, G replaced by T.
Protein change: p.Glu699Ter; replaces glutamic acid 699 with a stop codon.
Molecular consequence: nonsense.
Genome position (GRCh38, 1-based): chr14:45,170,681, G>T. VCF-style: chr14-45170681-G-T. GRCh37 (hg19) VCF-style: chr14-45639884-G-T.
Other names: c.2017G>T, p.Glu673Ter (NM_001308133.2); short protein forms E673*, E699*.
Identifiers: ClinVar variation 998220 (VCV000998220.1), dbSNP rs1888281367, ClinGen allele CA389596138.